The following is an entry in ClinVar:

ClinVar aggregate classification (germline): Benign. Review status: criteria provided, multiple submitters, no conflicts (2 of 4 stars). 3 submissions from 3 submitters: Benign (3). Last evaluated 2026-09-21.

Allele frequency attached by ClinVar (database versions not stated): ExAC 0.90069; TOPMed 0.93417; gnomAD 0.94111 and 0.93410; ESP Exome Variant Server 0.95634; 1000 Genomes Project 30x 0.88757; gnomAD exomes 0.92435 and 0.89395; 1000 Genomes Project 0.88159.
gnomAD v4.1: 1,380,954 of 1,492,902 alleles (93%); highest among the groups gnomAD compares: African/African-American, 99%; 640,542 homozygotes.

Submissions (3):

Molecular Diagnostic Laboratory for Inherited Cardiovascular Disease, Montreal Heart Institute
Classification: Benign. Last evaluated: 2026-09-21. Review status: criteria provided, single submitter. Criteria: ACMG Guidelines, 2015. Collection method: clinical testing. Allele origin: germline. Affected: no.

GeneDx
Classification: Benign. Last evaluated: 2018-08-30. Review status: criteria provided, single submitter. Criteria: GeneDx Variant Classification Process June 2021. Collection method: clinical testing. Allele origin: germline. Affected: yes.
Comment: This variant is associated with the following publications: (PMID: 11588264)

Breakthrough Genomics
Classification: Benign. Review status: criteria provided, single submitter. Criteria: ACMG Guidelines, 2015. Collection method: not provided. Allele origin: germline. Inheritance: Autosomal dominant inheritance. Affected: yes.

NM_001371904.1(APOA5):c.162-43A>G

Genes: APOA5 (apolipoprotein A5; minus strand), LOC108491825 (enhancer-blocking element 11-1-2 overlapping APOA5; plus strand). Cytogenetic location: 11q23.3.
Variant type: single nucleotide variant.
Coding change: c.162-43A>G on transcript NM_001371904.1 (MANE Select); 43 bases into the intron before coding-DNA position 162, A replaced by G.
Molecular consequence: intron variant.
Genome position (GRCh38, 1-based): chr11:116,791,110, T>C on the plus strand (A>G on the coding strand, the complement: APOA5 is on the minus strand). VCF-style: chr11-116791110-T-C. GRCh37 (hg19) VCF-style: chr11-116661826-T-C.
Other names: c.162-43A>G (NM_001166598.2, NM_052968.5).
Identifiers: ClinVar variation 1297445 (VCV001297445.4), dbSNP rs2072560, ClinGen allele CA6289124.